The following is an entry in ClinVar:

ClinVar aggregate classification (germline): Uncertain significance (1 of 4 stars; one submission).

Conditions:
POLD1-related polyposis and colorectal cancer syndrome (CRCS10). Also called: Colorectal cancer 10; COLORECTAL CANCER, SUSCEPTIBILITY TO, ON CHROMOSOME 19q; Colorectal cancer, susceptibility to, 10. Identifiers: Orphanet 220460, MedGen C2675481, MONDO:0012953, OMIM 612591.

Submission:

Labcorp Genetics (formerly Invitae), Labcorp
Classification: Uncertain significance for POLD1-related polyposis and colorectal cancer syndrome. Last evaluated: 2023-03-31. Review status: criteria provided, single submitter. Criteria: Invitae Variant Classification Sherloc (09022015). Collection method: clinical testing. Allele origin: germline.
Comment: In summary, the available evidence is currently insufficient to determine the role of this variant in disease. Therefore, it has been classified as a Variant of Uncertain Significance. This variant has not been reported in the literature in individuals affected with POLD1-related conditions. This variant is not present in population databases (gnomAD no frequency). This variant, c.2451_2465dup, results in the insertion of 5 amino acid(s) of the POLD1 protein (p.His821_Asp822insGluProAspAlaHis), but otherwise preserves the integrity of the reading frame.

NM_002691.4(POLD1):c.2451_2465dup (p.His821_Asp822insGluProAspAlaHis)

Gene: POLD1 (DNA polymerase delta 1, catalytic subunit; plus strand). Cytogenetic location: 19q13.33.
Variant type: Duplication.
Coding change: c.2451_2465dup on transcript NM_002691.4 (MANE Select); coding-DNA positions 2451 to 2465, 15 bases duplicated (GCCCGACGCCCACGA).
Protein change: p.His821_Asp822insGluProAspAlaHis.
Molecular consequence: inframe insertion. On other transcripts: non-coding transcript variant (1).
Genome position (GRCh38, 1-based): chr19:50,414,877-50,414,891, GCCCGACGCCCACGA duplicated. VCF-style (leftmost placement, unchanged base first): chr19-50414876-G-GGCCCGACGCCCACGA. GRCh37 (hg19) VCF-style: chr19-50918133-G-GGCCCGACGCCCACGA.
Other names: c.2451_2465dup, p.His821_Asp822insGluProAspAlaHis (NM_001256849.1); c.2529_2543dup, p.His847_Asp848insGluProAspAlaHis (NM_001308632.1).
Identifiers: ClinVar variation 2851133 (VCV002851133.3), dbSNP rs2514047694, ClinGen allele CA2739276975.